The following is an entry in ClinVar:

NM_004229.4(MED14):c.3447A>G (p.Thr1149=)

Gene: MED14 (mediator complex subunit 14; minus strand). Cytogenetic location: Xp11.4.
Variant type: single nucleotide variant.
Coding change: c.3447A>G on transcript NM_004229.4 (MANE Select); coding-DNA position 3447, A replaced by G.
Protein change: p.Thr1149=; no amino-acid change (threonine 1149 retained).
Molecular consequence: synonymous variant.
Genome position (GRCh38, 1-based): chrX:40,664,308, T>C on the plus strand (A>G on the coding strand, the complement: MED14 is on the minus strand). VCF-style: chrX-40664308-T-C. GRCh37 (hg19) VCF-style: chrX-40523560-T-C.
Identifiers: ClinVar variation 2660323 (VCV002660323.24), dbSNP rs140362534, ClinGen allele CA10387677.

ClinVar aggregate classification (germline): Likely benign (1 of 4 stars; one submission).

Allele frequency attached by ClinVar (database versions not stated): ExAC 0.00005; gnomAD 0.00008; TOPMed 0.00012; ESP Exome Variant Server 0.00019; gnomAD exomes 0.00019.
gnomAD v4.1: 212 of 1,195,433 alleles (0.018%); highest among the groups gnomAD compares: Non-Finnish European, 0.023%; no homozygotes.

Submission:

CeGaT Center for Human Genetics Tuebingen
Classification: Likely benign. Last evaluated: 2023-05-01. Review status: criteria provided, single submitter. Criteria: CeGaT Center For Human Genetics Tuebingen Variant Classification Criteria Version 2. Collection method: clinical testing. Allele origin: germline. Affected: yes. Observed: 1 variant allele.
Comment: MED14: BP4, BP7, BS2